The following is an entry in ClinVar:

ClinVar aggregate classification (germline): Likely benign. Review status: criteria provided, multiple submitters, no conflicts (2 of 4 stars). 2 submissions from 2 submitters: Likely benign (2). Last evaluated 2025-10-17.

Allele frequency attached by ClinVar (database versions not stated): gnomAD exomes below 0.00001; gnomAD 0.00001; TOPMed 0.00001; 1000 Genomes Project 0.00020; 1000 Genomes Project 30x 0.00031.
gnomAD v4.1: 4 of 1,613,550 alleles (0.00025%); highest among the groups gnomAD compares: Admixed American, 0.0033%; no homozygotes.

Submissions (2):

Mayo Clinic Laboratories, Mayo Clinic
Classification: Likely benign. Last evaluated: 2025-10-17. Review status: criteria provided, single submitter. Criteria: ACMG Guidelines, 2015. Collection method: clinical testing. Allele origin: germline. Observed: 1 variant allele.
Comment: BP4, BP7

Labcorp Genetics (formerly Invitae), Labcorp
Classification: Likely benign. Last evaluated: 2023-12-17. Review status: criteria provided, single submitter. Criteria: Invitae Variant Classification Sherloc (09022015). Collection method: clinical testing. Allele origin: germline.

NM_133259.4(LRPPRC):c.816A>G (p.Ala272=)

Gene: LRPPRC (leucine rich pentatricopeptide repeat containing; minus strand). Cytogenetic location: 2p21.
Variant type: single nucleotide variant.
Coding change: c.816A>G on transcript NM_133259.4 (MANE Select); coding-DNA position 816, A replaced by G.
Protein change: p.Ala272=; no amino-acid change (alanine 272 retained).
Molecular consequence: synonymous variant.
Genome position (GRCh38, 1-based): chr2:43,975,139, T>C on the plus strand (A>G on the coding strand, the complement: LRPPRC is on the minus strand). VCF-style: chr2-43975139-T-C. GRCh37 (hg19) VCF-style: chr2-44202278-T-C.
Other names: p.Ala272=.
Identifiers: ClinVar variation 1081989 (VCV001081989.10), dbSNP rs185219908, ClinGen allele CA46444874.